The following is an entry in ClinVar:

ClinVar aggregate classification (germline): Uncertain significance (1 of 4 stars; one submission).

Conditions:
Sulfite oxidase deficiency due to molybdenum cofactor deficiency type C. Also called: Molybdenum cofactor deficiency C; Molybdenum cofactor deficiency, complementation group C. Identifiers: Orphanet 308400, Orphanet 833, MedGen C1854990, MONDO:0014212, OMIM 615501.

Allele frequency attached by ClinVar (database versions not stated): gnomAD exomes below 0.00001.
gnomAD v4.1: 2 of 1,606,188 alleles (0.00012%); highest among the groups gnomAD compares: Non-Finnish European, 0.00017%; no homozygotes.

Submission:

Labcorp Genetics (formerly Invitae), Labcorp
Classification: Uncertain significance for Sulfite oxidase deficiency due to molybdenum cofactor deficiency type C. Last evaluated: 2025-12-09. Review status: criteria provided, single submitter. Criteria: Invitae Variant Classification Sherloc (09022015). Collection method: clinical testing. Allele origin: germline.
Comment: This sequence change replaces arginine, which is basic and polar, with cysteine, which is neutral and slightly polar, at codon 703 of the GPHN protein (p.Arg703Cys). This variant is not present in population databases (gnomAD no frequency). This variant has not been reported in the literature in individuals affected with GPHN-related conditions. ClinVar contains an entry for this variant (Variation ID: 1715634). Invitae Evidence Modeling of protein sequence and biophysical properties (such as structural, functional, and spatial information, amino acid conservation, physicochemical variation, residue mobility, and thermodynamic stability) indicates that this missense variant is expected to disrupt GPHN protein function with a positive predictive value of 80%. In summary, the available evidence is currently insufficient to determine the role of this variant in disease. Therefore, it has been classified as a Variant of Uncertain Significance.

NM_020806.5(GPHN):c.2107C>T (p.Arg703Cys)

Gene: GPHN (gephyrin; plus strand). Cytogenetic location: 14q23.3.
Variant type: single nucleotide variant.
Coding change: c.2107C>T on transcript NM_020806.5 (MANE Select); coding-DNA position 2107, C replaced by T.
Protein change: p.Arg703Cys; replaces arginine 703 with cysteine.
Molecular consequence: missense variant.
Genome position (GRCh38, 1-based): chr14:67,179,605, C>T. VCF-style: chr14-67179605-C-T. GRCh37 (hg19) VCF-style: chr14-67646322-C-T.
Other names: c.2008C>T, p.Arg670Cys (NM_001024218.2); c.2167C>T, p.Arg723Cys (NM_001377514.1); c.2137C>T, p.Arg713Cys (NM_001377515.1); c.2128C>T, p.Arg710Cys (NM_001377516.1); c.2080C>T, p.Arg694Cys (NM_001377517.1); c.2065C>T, p.Arg689Cys (NM_001377518.1); c.2047C>T, p.Arg683Cys (NM_001377519.1); short protein forms R670C, R683C, R689C, R694C, R703C, R710C, R713C, R723C.
Identifiers: ClinVar variation 1715634 (VCV001715634.5), dbSNP rs1252936065, ClinGen allele CA390122307.